The following is an entry in ClinVar:

ClinVar aggregate classification (germline): Uncertain significance. Review status: criteria provided, multiple submitters, no conflicts (2 of 4 stars). 2 submissions from 2 submitters: Uncertain significance (2). Last evaluated 2023-02-08.

Allele frequency attached by ClinVar (database versions not stated): gnomAD exomes below 0.00001; gnomAD 0.00001; TOPMed 0.00001.
gnomAD v4.1: 5 of 1,613,512 alleles (0.00031%); highest among the groups gnomAD compares: Non-Finnish European, 0.00042%; no homozygotes.

Submissions (2):

Ambry Genetics
Classification: Uncertain significance. Last evaluated: 2023-02-08. Review status: criteria provided, single submitter. Criteria: Ambry Variant Classification Scheme 2023. Collection method: clinical testing. Allele origin: germline.

Mayo Clinic Laboratories, Mayo Clinic
Classification: Uncertain significance. Last evaluated: 2022-12-06. Review status: criteria provided, single submitter. Criteria: ACMG Guidelines, 2015. Collection method: clinical testing. Allele origin: germline. Observed: 2 variant alleles.
Comment: BP4

NM_012232.6(CAVIN1):c.244A>T (p.Met82Leu)

Gene: CAVIN1 (caveolae associated protein 1; minus strand). Cytogenetic location: 17q21.2.
Variant type: single nucleotide variant.
Coding change: c.244A>T on transcript NM_012232.6 (MANE Select); coding-DNA position 244, A replaced by T.
Protein change: p.Met82Leu; replaces methionine 82 with leucine.
Molecular consequence: missense variant.
Genome position (GRCh38, 1-based): chr17:42,422,854, T>A on the plus strand (A>T on the coding strand, the complement: CAVIN1 is on the minus strand). VCF-style: chr17-42422854-T-A. GRCh37 (hg19) VCF-style: chr17-40574872-T-A.
Other names: p.Met82Leu; short protein forms M82L.
Identifiers: ClinVar variation 1693698 (VCV001693698.7), dbSNP rs1015225505, ClinGen allele CA290756641.